The following is an entry in ClinVar:

ClinVar aggregate classification (germline): Pathogenic (1 of 4 stars; one submission).

Conditions:
Symmetrical dyschromatosis of extremities (DSH). Also called: RETICULATE ACROPIGMENTATION OF DOHI; SYMMETRIC DYSCHROMATOSIS OF THE EXTREMITIES; Dyschromatosis symmetrica hereditaria; DYSCHROMATOSIS SYMMETRICA HEREDITARIA 1. Identifiers: Orphanet 41, MedGen C0406775, MONDO:0007483, OMIM 127400.
Aicardi-Goutieres syndrome 6 (AGS6). Identifiers: Orphanet 51, MedGen C3539013, MONDO:0014007, OMIM 615010.

Submission:

Labcorp Genetics (formerly Invitae), Labcorp
Classification: Pathogenic for Aicardi-Goutieres syndrome 6; Symmetrical dyschromatosis of extremities. Last evaluated: 2025-04-14. Review status: criteria provided, single submitter. Criteria: Invitae Variant Classification Sherloc (09022015). Collection method: clinical testing. Allele origin: germline.
Comment: This sequence change creates a premature translational stop signal (p.Pro770Glnfs*23) in the ADAR gene. It is expected to result in an absent or disrupted protein product. Loss-of-function variants in ADAR are known to be pathogenic (PMID: 22974014). This variant is not present in population databases (gnomAD no frequency). This variant has not been reported in the literature in individuals affected with ADAR-related conditions. ClinVar contains an entry for this variant (Variation ID: 1437688). For these reasons, this variant has been classified as Pathogenic.

Literature cited by the submitters: PubMed 22974014.

NM_001111.5(ADAR):c.2309del (p.Pro770fs)

Gene: ADAR (adenosine deaminase RNA specific; minus strand). Cytogenetic location: 1q21.3.
Variant type: Deletion.
Coding change: c.2309del on transcript NM_001111.5 (MANE Select); coding-DNA position 2309, one base deleted (C; older notation c.2309delC).
Protein change: p.Pro770fs; shifts the reading frame from proline 770.
Molecular consequence: frameshift variant.
Genome position (GRCh38, 1-based): chr1:154,590,371, G deleted on the plus strand (C on the coding strand, the reverse complement: ADAR is on the minus strand); the first of 3 consecutive G bases (chr1:154,590,371-154,590,373); deleting any one gives the same sequence. VCF-style (leftmost placement, unchanged base first): chr1-154590370-TG-T. GRCh37 (hg19) VCF-style: chr1-154562846-TG-T.
Other names: c.1424del, p.Pro475fs (NM_001025107.3, NM_001193495.2, NM_001365046.1 and 3 more transcripts); c.2336del, p.Pro779fs (NM_001365045.1); c.2309del, p.Pro770fs (NM_015840.4); c.2252del, p.Pro751fs (NM_015841.4); short protein forms P751fs, P770fs, P779fs, P475fs.
Identifiers: ClinVar variation 1437688 (VCV001437688.6), dbSNP rs2101589045, ClinGen allele CA2573130587.